The following is an entry in ClinVar:

NM_001040142.2(SCN2A):c.1175T>G (p.Leu392Arg)

Gene: SCN2A (sodium voltage-gated channel alpha subunit 2; plus strand). Cytogenetic location: 2q24.3.
Variant type: single nucleotide variant.
Coding change: c.1175T>G on transcript NM_001040142.2 (MANE Select); coding-DNA position 1175, T replaced by G.
Protein change: p.Leu392Arg; replaces leucine 392 with arginine.
Molecular consequence: missense variant.
Genome position (GRCh38, 1-based): chr2:165,313,760, T>G. VCF-style: chr2-165313760-T-G. GRCh37 (hg19) VCF-style: chr2-166170270-T-G.
Other names: c.1175T>G, p.Leu392Arg (NM_001040143.2, NM_001371246.1, NM_001371247.1 and 1 more transcripts); short protein forms L392R.
Identifiers: ClinVar variation 3384625 (VCV003384625.1).

ClinVar aggregate classification (germline): Uncertain significance (1 of 4 stars; one submission).

Submission:

GeneDx
Classification: Uncertain significance. Last evaluated: 2024-06-06. Review status: criteria provided, single submitter. Criteria: GeneDx Variant Classification Process June 2021. Collection method: clinical testing. Allele origin: germline. Affected: yes.
Comment: Not observed at significant frequency in large population cohorts (gnomAD); In silico analysis supports that this missense variant has a deleterious effect on protein structure/function; Has not been previously published as pathogenic or benign to our knowledge; This substitution is predicted to be within the repeat I and the Pore-forming domain